The following is an entry in ClinVar:

NM_003640.5(ELP1):c.2894_2906del (p.Ile965fs)

Gene: ELP1 (elongator acetyltransferase complex subunit 1; minus strand). Cytogenetic location: 9q31.3.
Variant type: Deletion.
Coding change: c.2894_2906del on transcript NM_003640.5 (MANE Select); coding-DNA positions 2894 to 2906, 13 bases deleted (TAAAAGATAAAAA).
Protein change: p.Ile965fs; shifts the reading frame from isoleucine 965.
Molecular consequence: frameshift variant.
Genome position (GRCh38, 1-based): chr9:108,893,038-108,893,050, TTTTTATCTTTTA deleted on the plus strand (TAAAAGATAAAAA on the coding strand, the reverse complement: ELP1 is on the minus strand); deleting any 13 consecutive bases within chr9:108,893,038-108,893,051 gives the same sequence; the c. name uses the placement nearest the transcript's 3' end. VCF-style (leftmost placement, unchanged base first): chr9-108893037-GTTTTTATCTTTTA-G. GRCh37 (hg19) VCF-style: chr9-111655317-GTTTTTATCTTTTA-G.
Other names: p.Ile965Thrfs*7; c.2552_2564del, p.Ile851fs (NM_001318360.2); c.1847_1859del, p.Ile616fs (NM_001330749.2); c.2894_2906delTAAAAGATAAAAA (NM_003640.4); short protein forms I616fs, I851fs, I965fs.
Identifiers: ClinVar variation 2682899 (VCV002682899.5), dbSNP rs777172456, ClinGen allele CA5174500.

ClinVar aggregate classification (germline): Pathogenic/Likely pathogenic. Review status: criteria provided, multiple submitters, no conflicts (2 of 4 stars). 3 submissions from 3 submitters: Pathogenic (1); Likely pathogenic (2). Last evaluated 2024-11-03.

Conditions:
Familial dysautonomia. Also called: HSAN III; FD. Identifiers: Orphanet 1764, MedGen C0013364, MONDO:0009131, OMIM 223900. Disease mechanism: loss of function.

Submissions (3):

Natera, Inc.
Classification: Likely pathogenic for Familial dysautonomia. Last evaluated: 2024-11-03. Review status: criteria provided, single submitter. Criteria: Natera Variant Classification Schema (03/2026). Collection method: clinical testing. Allele origin: germline.
Comment: The c.2894_2906delTAAAAGATAAAAA variant in ELP1 is a frameshift variant predicted to shift the reading frame beginning at codon 965 and leads to a stop codon 7 codons downstream. This variant is expected to result in nonsense mediated decay, truncation, or a dysfunctional protein product. This variant is rare in the general population with a frequency below the threshold expected for the associated phenotype(s). Given the available evidence, this variant is classified as Likely Pathogenic.

Labcorp Genetics (formerly Invitae), Labcorp
Classification: Pathogenic. Last evaluated: 2023-09-10. Review status: criteria provided, single submitter. Criteria: Invitae Variant Classification Sherloc (09022015). Collection method: clinical testing. Allele origin: germline.
Comment: This variant is present in population databases (rs777172456, gnomAD 0.0009%). This sequence change creates a premature translational stop signal (p.Ile965Thrfs*7) in the ELP1 gene. It is expected to result in an absent or disrupted protein product. Loss-of-function variants in ELP1 are known to be pathogenic (PMID: 18303054, 24173031). This variant has not been reported in the literature in individuals affected with ELP1-related conditions. For these reasons, this variant has been classified as Pathogenic.

Mayo Clinic Laboratories, Mayo Clinic
Classification: Likely pathogenic. Last evaluated: 2022-12-23. Review status: criteria provided, single submitter. Criteria: ACMG Guidelines, 2015. Collection method: clinical testing. Allele origin: germline. Observed: 1 variant allele.
Comment: PM2, PVS1

Literature cited by the submitters: PubMed 18303054 (cited by Labcorp Genetics (formerly Invitae), Labcorp); PubMed 24173031 (cited by Labcorp Genetics (formerly Invitae), Labcorp).